The following is an entry in ClinVar:

NM_000218.3(KCNQ1):c.467T>C (p.Leu156Pro)

Gene: KCNQ1 (potassium voltage-gated channel subfamily Q member 1; plus strand). Cytogenetic location: 11p15.5.
Variant type: single nucleotide variant.
Coding change: c.467T>C on transcript NM_000218.3 (MANE Select); coding-DNA position 467, T replaced by C.
Protein change: p.Leu156Pro; replaces leucine 156 with proline.
Molecular consequence: missense variant.
Genome position (GRCh38, 1-based): chr11:2,528,008, T>C. VCF-style: chr11-2528008-T-C. GRCh37 (hg19) VCF-style: chr11-2549238-T-C.
Other names: c.467T>C, p.Leu156Pro (NM_001406836.1, NM_001406838.1); c.197T>C, p.Leu66Pro (NM_001406837.1); c.86T>C, p.Leu29Pro (NM_181798.2); short protein forms L156P, L29P, L66P.
Identifiers: ClinVar variation 684787 (VCV000684787.8), dbSNP rs1589931156, ClinGen allele CA379122086.

ClinVar aggregate classification (germline): Pathogenic/Likely pathogenic. Review status: criteria provided, multiple submitters, no conflicts (2 of 4 stars). 2 submissions from 2 submitters: Pathogenic (1); Likely pathogenic (1). Last evaluated 2025-12-29.

Conditions:
Cardiovascular phenotype. Identifiers: MedGen CN230736.
Long QT syndrome (LQTS). Identifiers: MedGen C0023976, MeSH D008133, MONDO:0002442. Disease mechanism: loss of function. Inheritance: Various modes of inheritance.

Submissions (2):

Molecular Diagnostic Laboratory for Inherited Cardiovascular Disease, Montreal Heart Institute
Classification: Pathogenic for Cardiovascular phenotype. Last evaluated: 2025-12-29. Review status: criteria provided, single submitter. Criteria: ACMG Guidelines, 2015. Collection method: clinical testing. Allele origin: germline. Affected: yes.
Comment: PM1_strong, PM2, PP1_mod, PP2, PP3

Dept of Medical Biology, Uskudar University
Classification: Likely pathogenic for Long QT syndrome. Last evaluated: 2024-01-08. Review status: criteria provided, single submitter. Criteria: Dept of Medical Biology Variant Classification. Collection method: research. Allele origin: maternal. Affected: yes. Observed: 1 variant allele.
Comment: Criteria: PS4_Moderate, PM1, PM2, PP3